The following is an entry in ClinVar:

NM_002180.3(IGHMBP2):c.1079C>G (p.Pro360Arg)

Gene: IGHMBP2 (immunoglobulin mu DNA binding protein 2; plus strand). Cytogenetic location: 11q13.3.
Variant type: single nucleotide variant.
Coding change: c.1079C>G on transcript NM_002180.3 (MANE Select); coding-DNA position 1079, C replaced by G.
Protein change: p.Pro360Arg; replaces proline 360 with arginine.
Molecular consequence: missense variant.
Genome position (GRCh38, 1-based): chr11:68,929,201, C>G. VCF-style: chr11-68929201-C-G. GRCh37 (hg19) VCF-style: chr11-68696669-C-G.
Other names: short protein forms P360R.
Identifiers: ClinVar variation 1435599 (VCV001435599.4), dbSNP rs1768499175, ClinGen allele CA381647406.

ClinVar aggregate classification (germline): Uncertain significance (1 of 4 stars; one submission).

Conditions:
Charcot-Marie-Tooth disease axonal type 2S. Also called: CHARCOT-MARIE-TOOTH NEUROPATHY, TYPE 2S; CHARCOT-MARIE-TOOTH DISEASE, AXONAL, AUTOSOMAL RECESSIVE, TYPE 2S. Identifiers: Orphanet 443073, MedGen C4015349, MONDO:0014511, OMIM 616155.
Autosomal recessive distal spinal muscular atrophy 1. Also called: HMN VI; Spinal muscular atrophy with respiratory distress 1; NEURONOPATHY, SEVERE INFANTILE AXONAL, WITH RESPIRATORY FAILURE; NEURONOPATHY, DISTAL HEREDITARY MOTOR, HARDING TYPE VI; NEUROPATHY, DISTAL HEREDITARY MOTOR, AUTOSOMAL RECESSIVE 1; SEVERE INFANTILE AXONAL NEUROPATHY WITH RESPIRATORY FAILURE. Identifiers: Orphanet 98920, MedGen C1858517, MONDO:0011436, OMIM 604320.

Submission:

Labcorp Genetics (formerly Invitae), Labcorp
Classification: Uncertain significance for Autosomal recessive distal spinal muscular atrophy 1; Charcot-Marie-Tooth disease axonal type 2S. Last evaluated: 2021-10-29. Review status: criteria provided, single submitter. Criteria: Invitae Variant Classification Sherloc (09022015). Collection method: clinical testing. Allele origin: germline.
Comment: This sequence change replaces proline, which is neutral and non-polar, with arginine, which is basic and polar, at codon 360 of the IGHMBP2 protein (p.Pro360Arg). This variant is not present in population databases (gnomAD no frequency). This variant has not been reported in the literature in individuals affected with IGHMBP2-related conditions. Advanced modeling of protein sequence and biophysical properties (such as structural, functional, and spatial information, amino acid conservation, physicochemical variation, residue mobility, and thermodynamic stability) performed at Invitae indicates that this missense variant is not expected to disrupt IGHMBP2 protein function. In summary, the available evidence is currently insufficient to determine the role of this variant in disease. Therefore, it has been classified as a Variant of Uncertain Significance.